The following is an entry in ClinVar:

NM_000466.3(PEX1):c.1492G>T (p.Glu498Ter)

Gene: PEX1 (peroxisomal biogenesis factor 1; minus strand). Cytogenetic location: 7q21.2.
Variant type: single nucleotide variant.
Coding change: c.1492G>T on transcript NM_000466.3 (MANE Select); coding-DNA position 1492, G replaced by T.
Protein change: p.Glu498Ter; replaces glutamic acid 498 with a stop codon.
Molecular consequence: nonsense.
Genome position (GRCh38, 1-based): chr7:92,511,039, C>A on the plus strand (G>T on the coding strand, the complement: PEX1 is on the minus strand). VCF-style: chr7-92511039-C-A. GRCh37 (hg19) VCF-style: chr7-92140353-C-A.
Other names: c.1492G>T, p.Glu498Ter (NM_001282677.2); c.868G>T, p.Glu290Ter (NM_001282678.2); short protein forms E290*, E498*.
Identifiers: ClinVar variation 1726594 (VCV001726594.3), dbSNP rs2484685958, ClinGen allele CA368190395.

ClinVar aggregate classification (germline): Likely pathogenic (1 of 4 stars; one submission).

Conditions:
Peroxisome biogenesis disorder. Identifiers: Orphanet 79189, MedGen C1832200, MONDO:0019234. Disease mechanism: loss of function.

Submission:

Myriad Genetics, Inc.
Classification: Likely pathogenic for Peroxisome biogenesis disorder. Last evaluated: 2021-12-27. Review status: criteria provided, single submitter. Criteria: Myriad Autosomal Dominant, Autosomal Recessive and X-Linked Classification Criteria (2023). Collection method: clinical testing. Allele origin: unknown.
Comment: NM_000466.2(PEX1):c.1492G>T(E498*) is expected to be pathogenic in the context of peroxisome biogenesis disorder type 1. This variant is predicted to lead to an abnormal or absent protein product due to the creation of a premature termination codon in PEX1, a gene where loss-of-function variants are known to be pathogenic. Please note: this variant was assessed in the context of healthy population screening.